The following is an entry in ClinVar:

ClinVar aggregate classification (germline): Pathogenic (1 of 4 stars; one submission).

Conditions:
Cystic fibrosis (CF). Also called: MUCOVISCIDOSIS. Identifiers: Orphanet 586, MedGen C0010674, MONDO:0009061, OMIM 219700. Disease mechanism: loss of function.

Submission:

Women's Health and Genetics/Laboratory Corporation of America, LabCorp
Classification: Pathogenic for Cystic fibrosis. Last evaluated: 2024-10-21. Review status: criteria provided, single submitter. Criteria: LabCorp Variant Classification Summary - May 2015. Collection method: clinical testing. Allele origin: germline.
Comment: Variant summary: CFTR c.1752dupA (p.Glu585ArgfsX4) results in a premature termination codon, predicted to cause a truncation of the encoded protein or absence of the protein due to nonsense mediated decay, which are commonly known mechanisms for disease. The variant was absent in 249978 control chromosomes. c.1752dupA has been reported in the literature in individuals affected with Cystic Fibrosis (Shanthikumar_2022). To our knowledge, no experimental evidence demonstrating an impact on protein function has been reported. The following publication have been ascertained in the context of this evaluation (PMID: 35791043). No submitters have cited clinical-significance assessments for this variant to ClinVar. Based on the evidence outlined above, the variant was classified as pathogenic.

Literature cited by the submitters: PubMed 35791043.

NM_000492.4(CFTR):c.1752dup (p.Glu585fs)

Gene: CFTR (CF transmembrane conductance regulator; plus strand). Cytogenetic location: 7q31.2.
Variant type: Duplication.
Coding change: c.1752dup on transcript NM_000492.4 (MANE Select); coding-DNA position 1752, one base duplicated (A; older notation c.1752dupA).
Protein change: p.Glu585fs; shifts the reading frame from glutamic acid 585.
Molecular consequence: frameshift variant.
Genome position (GRCh38, 1-based): chr7:117,590,425, A duplicated; the last of 5 consecutive A bases (chr7:117,590,421-117,590,425); duplicating any one gives the same sequence. VCF-style (leftmost placement, unchanged base first): chr7-117590420-G-GA. GRCh37 (hg19) VCF-style: chr7-117230474-G-GA.
Other names: c.1752dupA (NM_000492.4); short protein forms E585fs.
Identifiers: ClinVar variation 3385173 (VCV003385173.1).